The following is an entry in ClinVar:

ClinVar aggregate classification (germline): other (0 of 4 stars; one submission).

Conditions:
Familial colorectal cancer. Identifiers: MedGen CN280943, MONDO:0023113. Disease mechanism: loss of function.

Submission:

Systems Biology Platform Zhejiang California International NanoSystems Institute
Classification: other for Familial colorectal cancer. Review status: no assertion criteria provided. Collection method: not provided. Allele origin: unknown.
ClinVar note: Converted during submission from cancer to other.

NC_000005.10:g.112849397G>A

Variant type: single nucleotide variant.
Genome position: GRCh38 VCF-style: chr5-112849397-G-A. GRCh37 (hg19) VCF-style: chr5-112185094-G-A.
Identifiers: ClinVar variation 83290 (VCV000083290.3), dbSNP rs75121906, ClinGen allele CA250982.